The following is an entry in ClinVar:

ClinVar aggregate classification (germline): Conflicting classifications of pathogenicity. Review status: criteria provided, conflicting classifications (1 of 4 stars). 10 submissions from 10 submitters: Uncertain significance (1); Benign (5); Likely benign (3). 1 of the submissions does not count toward it. Last evaluated 2026-09-01.

Conditions:
Episodic ataxia type 2 (EA2). Also called: ATAXIA, EPISODIC, WITH NYSTAGMUS; ATAXIA, FAMILIAL PAROXYSMAL; CEREBELLAR ATAXIA, PAROXYSMAL, ACETAZOLAMIDE-RESPONSIVE; CEREBELLOPATHY, HEREDITARY PAROXYSMAL; EPISODIC ATAXIA, NYSTAGMUS-ASSOCIATED; ACETAZOLAMIDE-RESPONSIVE HEREDITARY PAROXYSMAL CEREBELLAR ATAXIA. Identifiers: Orphanet 97, MedGen C1720416, MONDO:0007163, OMIM 108500.
Developmental and epileptic encephalopathy, 42 (DEE42A). Also called: DEVELOPMENTAL AND EPILEPTIC ENCEPHALOPATHY 42A; EPILEPTIC ENCEPHALOPATHY, EARLY INFANTILE, 42A; Epileptic encephalopathy, early infantile, 42. Identifiers: MedGen C4310716, MONDO:0014917, OMIM 617106.
CACNA1A-related disorder. Also called: CACNA1A-related condition.
Inborn genetic diseases. Identifiers: MedGen C0950123, MeSH D030342.

Allele frequency attached by ClinVar (database versions not stated): 1000 Genomes Project 0.00020; 1000 Genomes Project 30x 0.00031; TOPMed 0.00062; ESP Exome Variant Server 0.00075; gnomAD exomes 0.00097 and 0.00128; gnomAD 0.00123 and 0.00131; ExAC 0.00144.
gnomAD v4.1: 1,596 of 1,598,026 alleles (0.1%); highest among the groups gnomAD compares: Non-Finnish European, 0.1%; 8 homozygotes.

Submissions (10):

CeGaT Center for Human Genetics Tuebingen
Classification: Likely benign. Last evaluated: 2026-09-01. Review status: criteria provided, single submitter. Criteria: CeGaT Center For Human Genetics Tuebingen Variant Classification Criteria Version 2. Collection method: clinical testing. Allele origin: germline. Affected: yes. Observed: 26 variant alleles.
Comment: CACNA1A: BP4, BP7, BS1

Labcorp Genetics (formerly Invitae), Labcorp
Classification: Benign for Developmental and epileptic encephalopathy, 42; Episodic ataxia type 2. Last evaluated: 2026-01-20. Review status: criteria provided, single submitter. Criteria: Invitae Variant Classification Sherloc (09022015). Collection method: clinical testing. Allele origin: germline.

ARUP Laboratories, Molecular Genetics and Genomics, ARUP Laboratories
Classification: Benign. Last evaluated: 2025-07-17. Review status: criteria provided, single submitter. Criteria: ARUP Molecular Germline Variant Investigation Process 2024. Collection method: clinical testing. Allele origin: germline.

Mayo Clinic Laboratories, Mayo Clinic
Classification: Benign. Last evaluated: 2025-03-11. Review status: criteria provided, single submitter. Criteria: ACMG Guidelines, 2015. Collection method: clinical testing. Allele origin: germline. Observed: 2 variant alleles.
Comment: BS1, BS2, BP4, BP7

Blueprint Genetics
Classification: Likely benign. Last evaluated: 2024-11-26. Review status: criteria provided, single submitter. Criteria: ACMG Guidelines, 2015. Collection method: clinical testing. Allele origin: germline.

Athena Diagnostics
Classification: Benign. Last evaluated: 2021-02-18. Review status: criteria provided, single submitter. Criteria: Athena Diagnostics criteria. Collection method: clinical testing. Allele origin: unknown.

GeneDx
Classification: Benign. Last evaluated: 2018-03-27. Review status: criteria provided, single submitter. Criteria: GeneDx Variant Classification Process June 2021. Collection method: clinical testing. Allele origin: germline. Affected: yes.

Ambry Genetics
Classification: Likely benign for Inborn genetic diseases. Last evaluated: 2017-02-10. Review status: criteria provided, single submitter. Criteria: Ambry Variant Classification Scheme 2023. Collection method: clinical testing. Allele origin: germline.

Eurofins Ntd Llc (ga)
Classification: Uncertain significance. Last evaluated: 2013-08-12. Review status: criteria provided, single submitter. Criteria: EGL Classification Definitions 2015. Collection method: clinical testing. Allele origin: germline. Observed: 1 variant allele, 1 heterozygote.

PreventionGenetics, part of Exact Sciences
Classification: Benign for CACNA1A-related condition. Last evaluated: 2019-09-06. Review status: no assertion criteria provided. Collection method: clinical testing. Allele origin: germline. Not counted in ClinVar's aggregate classification.
Comment: This variant is classified as benign based on ACMG/AMP sequence variant interpretation guidelines (Richards et al. 2015 PMID: 25741868, with internal and published modifications).

NM_001127222.2(CACNA1A):c.1623G>A (p.Gly541=)

Gene: CACNA1A (calcium voltage-gated channel subunit alpha1 A; minus strand). Cytogenetic location: 19p13.13.
Variant type: single nucleotide variant.
Coding change: c.1623G>A on transcript NM_001127222.2 (MANE Select); coding-DNA position 1623, G replaced by A.
Protein change: p.Gly541=; no amino-acid change (glycine 541 retained).
Molecular consequence: synonymous variant.
Genome position (GRCh38, 1-based): chr19:13,312,714, C>T on the plus strand (G>A on the coding strand, the complement: CACNA1A is on the minus strand). VCF-style: chr19-13312714-C-T. GRCh37 (hg19) VCF-style: chr19-13423528-C-T.
Other names: p.Gly542=; c.1626G>A (NM_000068.2); c.1626G>A, p.Gly542= (NM_000068.4, NM_001127221.2, NM_001174080.2 and 1 more transcripts); c.1623G>A (NM_001127222.1).
Identifiers: ClinVar variation 93560 (VCV000093560.53), dbSNP rs375628894, ClinGen allele CA221491.